The following is an entry in ClinVar:

ClinVar aggregate classification (germline): Uncertain significance. Review status: criteria provided, multiple submitters, no conflicts (2 of 4 stars). 2 submissions from 2 submitters: Uncertain significance (2). Last evaluated 2024-11-18.

Conditions:
Nephronophthisis 18 (NPHP18). Identifiers: Orphanet 655, MedGen C3890591, MONDO:0014374, OMIM 615862.

Allele frequency attached by ClinVar (database versions not stated): ESP Exome Variant Server 0.00025; TOPMed 0.00037; ExAC 0.00041; 1000 Genomes Project 0.00060; 1000 Genomes Project 30x 0.00078.
gnomAD v4.1: 471 of 1,613,296 alleles (0.029%); highest among the groups gnomAD compares: Non-Finnish European, 0.035%; no homozygotes.

Submissions (2):

Blueprint Genetics
Classification: Uncertain significance. Last evaluated: 2024-11-18. Review status: criteria provided, single submitter. Criteria: ACMG Guidelines, 2015. Collection method: clinical testing. Allele origin: germline.

Labcorp Genetics (formerly Invitae), Labcorp
Classification: Uncertain significance for Nephronophthisis 18. Last evaluated: 2024-01-22. Review status: criteria provided, single submitter. Criteria: Invitae Variant Classification Sherloc (09022015). Collection method: clinical testing. Allele origin: germline.
Comment: This sequence change replaces arginine, which is basic and polar, with tryptophan, which is neutral and slightly polar, at codon 431 of the CEP83 protein (p.Arg431Trp). This variant is present in population databases (rs111647062, gnomAD 0.06%). This variant has not been reported in the literature in individuals affected with CEP83-related conditions. ClinVar contains an entry for this variant (Variation ID: 850499). Advanced modeling of protein sequence and biophysical properties (such as structural, functional, and spatial information, amino acid conservation, physicochemical variation, residue mobility, and thermodynamic stability) performed at Invitae indicates that this missense variant is not expected to disrupt CEP83 protein function with a negative predictive value of 80%. In summary, the available evidence is currently insufficient to determine the role of this variant in disease. Therefore, it has been classified as a Variant of Uncertain Significance.

NM_016122.3(CEP83):c.1291C>T (p.Arg431Trp)

Gene: CEP83 (centrosomal protein 83; minus strand). Cytogenetic location: 12q22.
Variant type: single nucleotide variant.
Coding change: c.1291C>T on transcript NM_016122.3 (MANE Select); coding-DNA position 1291, C replaced by T.
Protein change: p.Arg431Trp; replaces arginine 431 with tryptophan.
Molecular consequence: missense variant. On other transcripts: non-coding transcript variant (1).
Genome position (GRCh38, 1-based): chr12:94,367,846, G>A on the plus strand (C>T on the coding strand, the complement: CEP83 is on the minus strand). VCF-style: chr12-94367846-G-A. GRCh37 (hg19) VCF-style: chr12-94761622-G-A.
Other names: c.1291C>T, p.Arg431Trp (NM_001042399.2, NM_001346457.2, NM_001368037.1 and 1 more transcripts); c.979C>T, p.Arg327Trp (NM_001346458.2, NM_001346459.2, NM_001368039.1 and 1 more transcripts); c.1066C>T, p.Arg356Trp (NM_001368041.1); short protein forms R431W, R327W, R356W.
Identifiers: ClinVar variation 850499 (VCV000850499.7), dbSNP rs111647062, ClinGen allele CA6721687.